The following is an entry in ClinVar:

NM_002181.4(IHH):c.1045G>A (p.Ala349Thr)

Gene: IHH (Indian hedgehog signaling molecule; minus strand). Cytogenetic location: 2q35.
Variant type: single nucleotide variant.
Coding change: c.1045G>A on transcript NM_002181.4 (MANE Select); coding-DNA position 1045, G replaced by A.
Protein change: p.Ala349Thr; replaces alanine 349 with threonine.
Molecular consequence: missense variant.
Genome position (GRCh38, 1-based): chr2:219,055,398, C>T on the plus strand (G>A on the coding strand, the complement: IHH is on the minus strand). VCF-style: chr2-219055398-C-T. GRCh37 (hg19) VCF-style: chr2-219920120-C-T.
Other names: c.1045G>A (NM_002181.3); short protein forms A349T.
Identifiers: ClinVar variation 1364601 (VCV001364601.12), dbSNP rs557425123, ClinGen allele CA2116545.

ClinVar aggregate classification (germline): Uncertain significance. Review status: criteria provided, multiple submitters, no conflicts (2 of 4 stars). 2 submissions from 2 submitters: Uncertain significance (2). Last evaluated 2025-09-29.

Conditions:
Inborn genetic diseases. Identifiers: MedGen C0950123, MeSH D030342.

Allele frequency attached by ClinVar (database versions not stated): gnomAD 0.00002 and 0.00003; TOPMed 0.00003; 1000 Genomes Project 30x 0.00016; 1000 Genomes Project 0.00020.
gnomAD v4.1: 39 of 1,613,266 alleles (0.0024%); highest among the groups gnomAD compares: Admixed American, 0.01%; no homozygotes.

Submissions (2):

Labcorp Genetics (formerly Invitae), Labcorp
Classification: Uncertain significance. Last evaluated: 2025-09-29. Review status: criteria provided, single submitter. Criteria: Invitae Variant Classification Sherloc (09022015). Collection method: clinical testing. Allele origin: germline.
Comment: This sequence change replaces alanine, which is neutral and non-polar, with threonine, which is neutral and polar, at codon 349 of the IHH protein (p.Ala349Thr). This variant is present in population databases (rs557425123, gnomAD 0.01%). This variant has not been reported in the literature in individuals affected with IHH-related conditions. ClinVar contains an entry for this variant (Variation ID: 1364601). Invitae Evidence Modeling of protein sequence and biophysical properties (such as structural, functional, and spatial information, amino acid conservation, physicochemical variation, residue mobility, and thermodynamic stability) indicates that this missense variant is expected to disrupt IHH protein function with a positive predictive value of 80%. In summary, the available evidence is currently insufficient to determine the role of this variant in disease. Therefore, it has been classified as a Variant of Uncertain Significance.

Ambry Genetics
Classification: Uncertain significance for Inborn genetic diseases. Last evaluated: 2025-08-05. Review status: criteria provided, single submitter. Criteria: Ambry Variant Classification Scheme 2023. Collection method: clinical testing. Allele origin: germline.